The following is an entry in ClinVar:

NM_006017.3(PROM1):c.1077+3A>T

Gene: PROM1 (prominin 1; minus strand). Cytogenetic location: 4p15.32.
Variant type: single nucleotide variant.
Coding change: c.1077+3A>T on transcript NM_006017.3 (MANE Select); 3 bases into the intron after coding-DNA position 1077, A replaced by T.
Molecular consequence: intron variant.
Genome position (GRCh38, 1-based): chr4:16,016,163, T>A on the plus strand (A>T on the coding strand, the complement: PROM1 is on the minus strand). VCF-style: chr4-16016163-T-A. GRCh37 (hg19) VCF-style: chr4-16017786-T-A.
Other names: c.1050+3A>T (NM_001145848.2, NM_001145852.2, NM_001145847.2 and 4 more transcripts); c.1077+3A>T (NM_001145850.2, NM_001145849.2).
Identifiers: ClinVar variation 1041691 (VCV001041691.6), dbSNP rs1239478035, ClinGen allele CA549875545.

ClinVar aggregate classification (germline): Uncertain significance (1 of 4 stars; one submission).

Allele frequency attached by ClinVar (database versions not stated): gnomAD 0.00001; gnomAD exomes 0.00002; TOPMed 0.00002.
gnomAD v4.1: 11 of 1,552,148 alleles (0.00071%); highest among the groups gnomAD compares: Admixed American, 0.0078%; no homozygotes.

Submission:

Labcorp Genetics (formerly Invitae), Labcorp
Classification: Uncertain significance. Last evaluated: 2025-09-08. Review status: criteria provided, single submitter. Criteria: Invitae Variant Classification Sherloc (09022015). Collection method: clinical testing. Allele origin: germline.
Comment: This sequence change falls in intron 9 of the PROM1 gene. It does not directly change the encoded amino acid sequence of the PROM1 protein. It affects a nucleotide within the consensus splice site. This variant is present in population databases (no rsID available, gnomAD 0.02%). This variant has not been reported in the literature in individuals affected with PROM1-related conditions. ClinVar contains an entry for this variant (Variation ID: 1041691). Variants that disrupt the consensus splice site are a relatively common cause of aberrant splicing (PMID: 17576681, 9536098). Algorithms developed to predict the effect of sequence changes on RNA splicing suggest that this variant may create or strengthen a splice site. In summary, the available evidence is currently insufficient to determine the role of this variant in disease. Therefore, it has been classified as a Variant of Uncertain Significance.

Literature cited by the submitters: PubMed 17576681; PubMed 9536098.